The following is an entry in ClinVar:

NM_002087.4(GRN):c.545C>G (p.Thr182Arg)

Gene: GRN (granulin precursor; plus strand). Cytogenetic location: 17q21.31.
Variant type: single nucleotide variant.
Coding change: c.545C>G on transcript NM_002087.4 (MANE Select); coding-DNA position 545, C replaced by G.
Protein change: p.Thr182Arg; replaces threonine 182 with arginine.
Molecular consequence: missense variant.
Genome position (GRCh38, 1-based): chr17:44,350,524, C>G. VCF-style: chr17-44350524-C-G. GRCh37 (hg19) VCF-style: chr17-42427892-C-G.
Other names: short protein forms T182R.
Identifiers: ClinVar variation 1715014 (VCV001715014.6), dbSNP rs63750479, ClinGen allele CA399763868.

ClinVar aggregate classification (germline): Uncertain significance (1 of 4 stars; one submission).

Conditions:
GRN-related frontotemporal lobar degeneration with Tdp43 inclusions (FTD2). Also called: DEMENTIA, HEREDITARY DYSPHASIC DISINHIBITION; FRONTOTEMPORAL LOBAR DEGENERATION WITH UBIQUITIN-POSITIVE INCLUSIONS; FTLD-TDP, GRN-RELATED; GRN Frontotemporal Dementia; FRONTOTEMPORAL DEMENTIA WITH TDP43 INCLUSIONS, GRN-RELATED. Identifiers: Orphanet 100070, Orphanet 282, MedGen C1843792, MONDO:0011842, OMIM 607485. Disease mechanism: loss of function.
Neuronal ceroid lipofuscinosis 11. Also called: GRN-Related Neuronal Ceroid-Lipofuscinosis. Identifiers: Orphanet 314629, Orphanet 79262, MedGen C3539123, MONDO:0013866, OMIM 614706.

Submission:

Labcorp Genetics (formerly Invitae), Labcorp
Classification: Uncertain significance for Neuronal ceroid lipofuscinosis 11; GRN-related frontotemporal lobar degeneration with Tdp43 inclusions. Last evaluated: 2022-10-24. Review status: criteria provided, single submitter. Criteria: Invitae Variant Classification Sherloc (09022015). Collection method: clinical testing. Allele origin: germline.
Comment: In summary, the available evidence is currently insufficient to determine the role of this variant in disease. Therefore, it has been classified as a Variant of Uncertain Significance. Advanced modeling of protein sequence and biophysical properties (such as structural, functional, and spatial information, amino acid conservation, physicochemical variation, residue mobility, and thermodynamic stability) performed at Invitae indicates that this missense variant is not expected to disrupt GRN protein function. This variant has not been reported in the literature in individuals affected with GRN-related conditions. This variant is not present in population databases (gnomAD no frequency). This sequence change replaces threonine, which is neutral and polar, with arginine, which is basic and polar, at codon 182 of the GRN protein (p.Thr182Arg).